The following is an entry in ClinVar:

ClinVar aggregate classification (germline): Uncertain significance (1 of 4 stars; one submission).

Submission:

Ambry Genetics
Classification: Uncertain significance. Last evaluated: 2022-05-31. Review status: criteria provided, single submitter. Criteria: Ambry Variant Classification Scheme 2023. Collection method: clinical testing. Allele origin: germline.
Comment: The p.M448V variant (also known as c.1342A>G), located in coding exon 12 of the BUB1 gene, results from an A to G substitution at nucleotide position 1342. The methionine at codon 448 is replaced by valine, an amino acid with highly similar properties. This amino acid position is conserved. In addition, this alteration is predicted to be tolerated by in silico analysis. Since supporting evidence is limited at this time, the clinical significance of this alteration remains unclear.

NM_004336.5(BUB1):c.1342A>G (p.Met448Val)

Gene: BUB1 (BUB1 mitotic checkpoint serine/threonine kinase; minus strand). Cytogenetic location: 2q13.
Variant type: single nucleotide variant.
Coding change: c.1342A>G on transcript NM_004336.5 (MANE Select); coding-DNA position 1342, A replaced by G.
Protein change: p.Met448Val; replaces methionine 448 with valine.
Molecular consequence: missense variant.
Genome position (GRCh38, 1-based): chr2:110,658,677, T>C on the plus strand (A>G on the coding strand, the complement: BUB1 is on the minus strand). VCF-style: chr2-110658677-T-C. GRCh37 (hg19) VCF-style: chr2-111416254-T-C.
Other names: c.1282A>G, p.Met428Val (NM_001278616.2); c.1342A>G, p.Met448Val (NM_001278617.2); short protein forms M428V, M448V.
Identifiers: ClinVar variation 1770389 (VCV001770389.2), dbSNP rs2468010373, ClinGen allele CA348212630.